The following is an entry in ClinVar:

ClinVar aggregate classification (germline): Uncertain significance (1 of 4 stars; one submission).

Conditions:
Methylcobalamin deficiency type cblG (HMAG). Also called: Functional methionine synthase deficiency type cblG; HOMOCYSTINURIA-MEGALOBLASTIC ANEMIA DUE TO DEFECT IN COBALAMIN METABOLISM, cblG COMPLEMENTATION TYPE; HOMOCYSTINURIA-MEGALOBLASTIC ANEMIA, cblG COMPLEMENTATION TYPE; HOMOCYSTINURIA-MEGALOBLASTIC ANEMIA, cblG TYPE. Identifiers: Orphanet 2170, Orphanet 622, MedGen C1855128, MONDO:0009609, OMIM 250940.

Allele frequency attached by ClinVar (database versions not stated): gnomAD exomes below 0.00001 and 0.00001; gnomAD 0.00001; TOPMed 0.00001.
gnomAD v4.1: 14 of 1,614,102 alleles (0.00087%); highest among the groups gnomAD compares: South Asian, 0.0033%; no homozygotes.

Submission:

Labcorp Genetics (formerly Invitae), Labcorp
Classification: Uncertain significance for Methylcobalamin deficiency type cblG. Last evaluated: 2019-05-20. Review status: criteria provided, single submitter. Criteria: Invitae Variant Classification Sherloc (09022015). Collection method: clinical testing. Allele origin: germline.
Comment: This sequence change replaces tyrosine with cysteine at codon 964 of the MTR protein (p.Tyr964Cys). The tyrosine residue is highly conserved and there is a large physicochemical difference between tyrosine and cysteine. This variant is not present in population databases (ExAC no frequency). This variant has not been reported in the literature in individuals with MTR-related conditions. Algorithms developed to predict the effect of missense changes on protein structure and function are either unavailable or do not agree on the potential impact of this missense change (SIFT: "Deleterious"; PolyPhen-2: "Probably Damaging"; Align-GVGD: "Class C0"). In summary, the available evidence is currently insufficient to determine the role of this variant in disease. Therefore, it has been classified as a Variant of Uncertain Significance.

NM_000254.3(MTR):c.2891A>G (p.Tyr964Cys)

Gene: MTR (5-methyltetrahydrofolate-homocysteine methyltransferase; plus strand). Cytogenetic location: 1q43.
Variant type: single nucleotide variant.
Coding change: c.2891A>G on transcript NM_000254.3 (MANE Select); coding-DNA position 2891, A replaced by G.
Protein change: p.Tyr964Cys; replaces tyrosine 964 with cysteine.
Molecular consequence: missense variant.
Genome position (GRCh38, 1-based): chr1:236,889,220, A>G. VCF-style: chr1-236889220-A-G. GRCh37 (hg19) VCF-style: chr1-237052520-A-G.
Other names: c.2738A>G, p.Tyr913Cys (NM_001291939.1); c.1670A>G, p.Tyr557Cys (NM_001291940.2); short protein forms Y913C, Y557C, Y964C.
Identifiers: ClinVar variation 949295 (VCV000949295.1), dbSNP rs1416094227, ClinGen allele CA345385931.
Genomic context (GRCh38, chr1:236,889,220, plus strand): 5'-AACCATACTTCTCTCCTGTAGTGAAGCCCACGTTTATTGGGACCCAGGTCTTTGAAGACT[A>G]TGACCTGCAGAAGCTGGTGGACTACATTGACTGGAAGCCTTTCTTTGATGTCTGGCAGCT-3'
Protein context (NP_000245.2, residues 954-974): TFIGTQVFED[Tyr964Cys]DLQKLVDYID